The following is an entry in ClinVar:

ClinVar aggregate classification (germline): Uncertain significance (1 of 4 stars; one submission).

Conditions:
Cutis laxa, autosomal dominant 3 (ADCL3). Identifiers: Orphanet 90348, MedGen C4225268, MONDO:0014706, OMIM 616603.
Autosomal dominant spastic paraplegia type 9. Identifiers: MedGen C1832669, MONDO:0015091.
de Barsy syndrome. Also called: Cutis laxa-corneal clouding-oligophrenia syndrome. Identifiers: Orphanet 2962, MedGen C0268354, MONDO:0017569.

gnomAD v4.1: 1 of 1,612,472 alleles (0.000062%); highest among the groups gnomAD compares: Non-Finnish European, 0.000085%; no homozygotes.

Submission:

Labcorp Genetics (formerly Invitae), Labcorp
Classification: Uncertain significance for Autosomal dominant spastic paraplegia type 9; de Barsy syndrome; Cutis laxa, autosomal dominant 3. Last evaluated: 2021-08-31. Review status: criteria provided, single submitter. Criteria: Invitae Variant Classification Sherloc (09022015). Collection method: clinical testing. Allele origin: germline.
Comment: In summary, the available evidence is currently insufficient to determine the role of this variant in disease. Therefore, it has been classified as a Variant of Uncertain Significance. Algorithms developed to predict the effect of missense changes on protein structure and function (SIFT, PolyPhen-2, Align-GVGD) all suggest that this variant is likely to be disruptive. This variant has not been reported in the literature in individuals affected with ALDH18A1-related conditions. This variant is not present in population databases (ExAC no frequency). This sequence change replaces leucine with proline at codon 418 of the ALDH18A1 protein (p.Leu418Pro). The leucine residue is highly conserved and there is a moderate physicochemical difference between leucine and proline.

NM_002860.4(ALDH18A1):c.1253T>C (p.Leu418Pro)

Gene: ALDH18A1 (aldehyde dehydrogenase 18 family member A1; minus strand). Cytogenetic location: 10q24.1.
Variant type: single nucleotide variant.
Coding change: c.1253T>C on transcript NM_002860.4 (MANE Select); coding-DNA position 1253, T replaced by C.
Protein change: p.Leu418Pro; replaces leucine 418 with proline.
Molecular consequence: missense variant.
Genome position (GRCh38, 1-based): chr10:95,621,245, A>G on the plus strand (T>C on the coding strand, the complement: ALDH18A1 is on the minus strand). VCF-style: chr10-95621245-A-G. GRCh37 (hg19) VCF-style: chr10-97381002-A-G.
Other names: c.1247T>C, p.Leu416Pro (NM_001017423.2, NM_001323415.2); c.920T>C, p.Leu307Pro (NM_001323412.2, NM_001323416.2); c.1253T>C, p.Leu418Pro (NM_001323413.2, NM_001323414.2); c.1148T>C, p.Leu383Pro (NM_001323417.2); c.914T>C, p.Leu305Pro (NM_001323418.2); c.617T>C, p.Leu206Pro (NM_001323419.2); short protein forms L305P, L307P, L418P, L416P, L206P, L383P.
Identifiers: ClinVar variation 1502817 (VCV001502817.6), dbSNP rs201069261, ClinGen allele CA211791349.